The following is an entry in ClinVar:

NM_001370259.2(MEN1):c.619A>G (p.Arg207Gly)

Gene: MEN1 (menin 1; minus strand). Cytogenetic location: 11q13.1.
Variant type: single nucleotide variant.
Coding change: c.619A>G on transcript NM_001370259.2 (MANE Select); coding-DNA position 619, A replaced by G.
Protein change: p.Arg207Gly; replaces arginine 207 with glycine.
Molecular consequence: missense variant. On other transcripts: intron variant (2).
Genome position (GRCh38, 1-based): chr11:64,807,926, T>C on the plus strand (A>G on the coding strand, the complement: MEN1 is on the minus strand). VCF-style: chr11-64807926-T-C. GRCh37 (hg19) VCF-style: chr11-64575398-T-C.
Other names: c.634A>G, p.Arg212Gly (NM_130802.3, NM_130803.3, NM_130804.3 and 3 more transcripts); c.549+70A>G (NM_001370263.2, NM_001370262.2); c.619A>G, p.Arg207Gly (NM_001370251.2, NM_001370260.2, NM_001370261.2 and 1 more transcripts); short protein forms R207G, R212G.
Identifiers: ClinVar variation 942293 (VCV000942293.14), dbSNP rs1941853632, ClinGen allele CA381185402.

ClinVar aggregate classification (germline): Uncertain significance. Review status: criteria provided, multiple submitters, no conflicts (2 of 4 stars). 3 submissions from 3 submitters: Uncertain significance (3). Last evaluated 2025-11-05.

Conditions:
Multiple endocrine neoplasia, type 1 (MEN1). Also called: MEN I; WERMER SYNDROME; Endocrine adenomatosis multiple; MEN 1; MEA I. Identifiers: Orphanet 652, MedGen C0025267, MeSH D018761, MONDO:0007540, OMIM 131100.
Hereditary cancer-predisposing syndrome. Also called: Neoplastic Syndromes, Hereditary; Hereditary neoplastic syndrome; Hereditary Cancer Syndrome; Tumor predisposition. Identifiers: Orphanet 140162, MedGen C0027672, MeSH D009386, MONDO:0015356.

Allele frequency attached by ClinVar (database versions not stated): TOPMed 0.00001.

Submissions (3):

Labcorp Genetics (formerly Invitae), Labcorp
Classification: Uncertain significance for Multiple endocrine neoplasia, type 1. Last evaluated: 2025-11-05. Review status: criteria provided, single submitter. Criteria: Invitae Variant Classification Sherloc (09022015). Collection method: clinical testing. Allele origin: germline.
Comment: This sequence change replaces arginine, which is basic and polar, with glycine, which is neutral and non-polar, at codon 207 of the MEN1 protein (p.Arg207Gly). This variant is not present in population databases (gnomAD no frequency). This variant has not been reported in the literature in individuals affected with MEN1-related conditions. ClinVar contains an entry for this variant (Variation ID: 942293). Invitae Evidence Modeling of protein sequence and biophysical properties (such as structural, functional, and spatial information, amino acid conservation, physicochemical variation, residue mobility, and thermodynamic stability) indicates that this missense variant is expected to disrupt MEN1 protein function with a positive predictive value of 95%. In summary, the available evidence is currently insufficient to determine the role of this variant in disease. Therefore, it has been classified as a Variant of Uncertain Significance.

Ambry Genetics
Classification: Uncertain significance for Hereditary cancer-predisposing syndrome. Last evaluated: 2025-06-13. Review status: criteria provided, single submitter. Criteria: Ambry Variant Classification Scheme 2023. Collection method: clinical testing. Allele origin: germline.
Comment: The p.R207G variant (also known as c.619A>G), located in coding exon 2 of the MEN1 gene, results from an A to G substitution at nucleotide position 619. The arginine at codon 207 is replaced by glycine, an amino acid with dissimilar properties. This amino acid position is conserved. In addition, this alteration is predicted to be deleterious by in silico analysis. Since supporting evidence is limited at this time, the clinical significance of this alteration remains unclear.

Baylor Genetics
Classification: Uncertain significance for Multiple Endocrine Neoplasia Type 1. Last evaluated: 2023-11-21. Review status: criteria provided, single submitter. Criteria: ACMG Guidelines, 2015. Collection method: clinical testing. Allele origin: unknown.